The following is an entry in ClinVar:

NM_024537.4(CARS2):c.878_879del (p.Phe293fs)

Gene: CARS2 (cysteinyl-tRNA synthetase 2, mitochondrial; minus strand). Cytogenetic location: 13q34.
Variant type: Deletion.
Coding change: c.878_879del on transcript NM_024537.4 (MANE Select); coding-DNA positions 878 to 879, 2 bases deleted (TT; older notation c.878_879delTT).
Protein change: p.Phe293fs; shifts the reading frame from phenylalanine 293.
Molecular consequence: frameshift variant. On other transcripts: non-coding transcript variant (2).
Genome position (GRCh38, 1-based): chr13:110,667,380-110,667,381, AA deleted on the plus strand (TT on the coding strand, the reverse complement: CARS2 is on the minus strand); deleting any 2 consecutive bases within chr13:110,667,380-110,667,382 gives the same sequence; the c. name uses the placement nearest the transcript's 3' end. VCF-style (leftmost placement, unchanged base first): chr13-110667379-GAA-G. GRCh37 (hg19) VCF-style: chr13-111319726-GAA-G.
Other names: c.878_879delTT (NM_024537.2); c.92_93del, p.Phe31fs (NM_001352252.2); c.878_879del, p.Phe293fs (NM_001352253.3); short protein forms F293fs, F31fs.
Identifiers: ClinVar variation 450267 (VCV000450267.8), dbSNP rs1258446331, ClinGen allele CA658658238.

ClinVar aggregate classification (germline): Conflicting classifications of pathogenicity. Review status: criteria provided, conflicting classifications (1 of 4 stars). 2 submissions from 2 submitters: Likely pathogenic (1); Uncertain significance (1). Last evaluated 2022-04-13.

Conditions:
Combined oxidative phosphorylation defect type 27. Also called: Combined oxidative phosphorylation deficiency 27. Identifiers: Orphanet 477774, MedGen C5567608, MONDO:0014728, OMIM 616672.

Submissions (2):

Labcorp Genetics (formerly Invitae), Labcorp
Classification: Uncertain significance for Combined oxidative phosphorylation defect type 27. Last evaluated: 2022-04-13. Review status: criteria provided, single submitter. Criteria: Invitae Variant Classification Sherloc (09022015). Collection method: clinical testing. Allele origin: germline.
Comment: In summary, the available evidence is currently insufficient to determine the role of this variant in disease. Therefore, it has been classified as a Variant of Uncertain Significance. ClinVar contains an entry for this variant (Variation ID: 450267). This variant has not been reported in the literature in individuals affected with CARS2-related conditions. This variant is not present in population databases (gnomAD no frequency). This sequence change creates a premature translational stop signal (p.Phe293Serfs*36) in the CARS2 gene. It is expected to result in an absent or disrupted protein product. However, the current clinical and genetic evidence is not sufficient to establish whether loss-of-function variants in CARS2 cause disease.

GeneDx
Classification: Likely pathogenic. Last evaluated: 2022-03-01. Review status: criteria provided, single submitter. Criteria: GeneDx Variant Classification Process June 2021. Collection method: clinical testing. Allele origin: germline. Affected: yes.
Comment: Frameshift variant predicted to result in protein truncation or nonsense mediated decay in a gene for which loss-of-function is a known mechanism of disease; Not observed at significant frequency in large population cohorts (gnomAD); Has not been previously published as pathogenic or benign to our knowledge